The following is an entry in ClinVar:

NM_000278.5(PAX2):c.359C>T (p.Ala120Val)

Gene: PAX2 (paired box 2; plus strand). Cytogenetic location: 10q24.31.
Variant type: single nucleotide variant.
Coding change: c.359C>T on transcript NM_000278.5 (MANE Select); coding-DNA position 359, C replaced by T.
Protein change: p.Ala120Val; replaces alanine 120 with valine.
Molecular consequence: missense variant.
Genome position (GRCh38, 1-based): chr10:100,750,840, C>T. VCF-style: chr10-100750840-C-T. GRCh37 (hg19) VCF-style: chr10-102510597-C-T.
Other names: c.452C>T, p.Ala151Val (NM_001304569.2); c.359C>T, p.Ala120Val (NM_003987.5, NM_003988.5, NM_003989.5 and 1 more transcripts); short protein forms A120V, A151V.
Identifiers: ClinVar variation 4794473 (VCV004794473.1).

ClinVar aggregate classification (germline): Uncertain significance (1 of 4 stars; one submission).

Conditions:
Renal coloboma syndrome (PAPRS). Also called: CONGENITAL ANOMALIES OF THE KIDNEY AND URINARY TRACT WITH OR WITHOUT OCULAR ABNORMALITIES; CAKUT WITH OR WITHOUT OCULAR ABNORMALITIES; PAPILLORENAL SYNDROME; PAPILLORENAL SYNDROME WITH MILD OCULAR ABNORMALITIES; COLOBOMA OF OPTIC NERVE WITH RENAL DISEASE; OPTIC COLOBOMA, VESICOURETERAL REFLUX, AND RENAL ANOMALIES. Identifiers: Orphanet 1475, MedGen C1852759, MONDO:0007352, OMIM 120330.
Focal segmental glomerulosclerosis 7 (FSGS7). Identifiers: Orphanet 656, MedGen C4014925, MONDO:0014451, OMIM 616002.

Submission:

Labcorp Genetics (formerly Invitae), Labcorp
Classification: Uncertain significance for Renal coloboma syndrome; Focal segmental glomerulosclerosis 7. Last evaluated: 2025-02-18. Review status: criteria provided, single submitter. Criteria: Invitae Variant Classification Sherloc (09022015). Collection method: clinical testing. Allele origin: germline.
Comment: This sequence change replaces alanine, which is neutral and non-polar, with valine, which is neutral and non-polar, at codon 120 of the PAX2 protein (p.Ala120Val). This variant is not present in population databases (gnomAD no frequency). This variant has not been reported in the literature in individuals affected with PAX2-related conditions. Experimental studies and prediction algorithms are not available or were not evaluated, and the functional significance of this variant is currently unknown. In summary, the available evidence is currently insufficient to determine the role of this variant in disease. Therefore, it has been classified as a Variant of Uncertain Significance.